The following is an entry in ClinVar:

NM_002076.4(GNS):c.1024C>G (p.Gln342Glu)

Gene: GNS (glucosamine (N-acetyl)-6-sulfatase; minus strand). Cytogenetic location: 12q14.3.
Variant type: single nucleotide variant.
Coding change: c.1024C>G on transcript NM_002076.4 (MANE Select); coding-DNA position 1024, C replaced by G.
Protein change: p.Gln342Glu; replaces glutamine 342 with glutamic acid.
Molecular consequence: missense variant.
Genome position (GRCh38, 1-based): chr12:64,737,078, G>C on the plus strand (C>G on the coding strand, the complement: GNS is on the minus strand). VCF-style: chr12-64737078-G-C. GRCh37 (hg19) VCF-style: chr12-65130858-G-C.
Other names: short protein forms Q342E.
Identifiers: ClinVar variation 1983106 (VCV001983106.1), dbSNP rs1258489412, ClinGen allele CA385606048.

ClinVar aggregate classification (germline): Uncertain significance (1 of 4 stars; one submission).

Conditions:
Mucopolysaccharidosis, MPS-III-D (MPS3D). Also called: N-ACETYLGLUCOSAMINE-6-SULFATASE DEFICIENCY; SANFILIPPO SYNDROME D; MPS III D; Mucopoly-saccharidosis type 3D; N-acetylglucosamine-6-sulfate sulfatase deficiency; MPS 3D. Identifiers: Orphanet 581, Orphanet 79272, MedGen C0086650, MONDO:0009658, OMIM 252940.

Submission:

Labcorp Genetics (formerly Invitae), Labcorp
Classification: Uncertain significance for Mucopolysaccharidosis, MPS-III-D. Last evaluated: 2022-07-27. Review status: criteria provided, single submitter. Criteria: Invitae Variant Classification Sherloc (09022015). Collection method: clinical testing. Allele origin: germline.
Comment: This sequence change replaces glutamine, which is neutral and polar, with glutamic acid, which is acidic and polar, at codon 342 of the GNS protein (p.Gln342Glu). This variant is not present in population databases (gnomAD no frequency). This variant has not been reported in the literature in individuals affected with GNS-related conditions. Algorithms developed to predict the effect of missense changes on protein structure and function (SIFT, PolyPhen-2, Align-GVGD) all suggest that this variant is likely to be disruptive. In summary, the available evidence is currently insufficient to determine the role of this variant in disease. Therefore, it has been classified as a Variant of Uncertain Significance.